The following is an entry in ClinVar:

ClinVar aggregate classification (germline): Uncertain significance. Review status: criteria provided, multiple submitters, no conflicts (2 of 4 stars). 3 submissions from 3 submitters: Uncertain significance (3). Last evaluated 2025-12-15.

Conditions:
Inborn genetic diseases. Identifiers: MedGen C0950123, MeSH D030342.

Allele frequency attached by ClinVar (database versions not stated): TOPMed 0.00001; gnomAD exomes 0.00002 and 0.00003; 1000 Genomes Project 0.00020; 1000 Genomes Project 30x 0.00031; ExAC below 0.00001.
gnomAD v4.1: 51 of 1,548,188 alleles (0.0033%); highest among the groups gnomAD compares: Non-Finnish European, 0.0039%; no homozygotes.

Submissions (3):

Ambry Genetics
Classification: Uncertain significance for Inborn genetic diseases. Last evaluated: 2025-12-15. Review status: criteria provided, single submitter. Criteria: Ambry Variant Classification Scheme 2023. Collection method: clinical testing. Allele origin: germline.

Mayo Clinic Laboratories, Mayo Clinic
Classification: Uncertain significance. Last evaluated: 2022-04-27. Review status: criteria provided, single submitter. Criteria: ACMG Guidelines, 2015. Collection method: clinical testing. Allele origin: germline. Observed: 1 variant allele.
Comment: BP4, PM2

Laboratory for Molecular Medicine, Mass General Brigham Personalized Medicine
Classification: Uncertain significance. Last evaluated: 2016-03-08. Review status: criteria provided, single submitter. Criteria: LMM Criteria. Collection method: clinical testing. Allele origin: germline. Observed: 1 variant allele.
Comment: The p.Arg1964His variant in TRIOBP has not been previously reported in individua ls with hearing loss. Data from large population studies is insufficient to asse ss the frequency of this variant. Computational prediction tools and conservatio n analyses do not provide strong support for or against an impact to the protein . In summary, the clinical significance of the p.Arg1964His variant is uncertain .

NM_001039141.3(TRIOBP):c.5891G>A (p.Arg1964His)

Gene: TRIOBP (TRIO and F-actin binding protein; plus strand). Cytogenetic location: 22q13.1.
Variant type: single nucleotide variant.
Coding change: c.5891G>A on transcript NM_001039141.3 (MANE Select); coding-DNA position 5891, G replaced by A.
Protein change: p.Arg1964His; replaces arginine 1964 with histidine.
Molecular consequence: missense variant.
Genome position (GRCh38, 1-based): chr22:37,757,816, G>A. VCF-style: chr22-37757816-G-A. GRCh37 (hg19) VCF-style: chr22-38153823-G-A.
Other names: c.752G>A, p.Arg251His (NM_007032.5, NM_138632.2); short protein forms R1964H, R251H.
Identifiers: ClinVar variation 229361 (VCV000229361.10), dbSNP rs534138620, ClinGen allele CA10224843.